The following is an entry in ClinVar:

NM_000061.3(BTK):c.1908+5G>T

Gene: BTK (Bruton tyrosine kinase; minus strand). Cytogenetic location: Xq22.1.
Variant type: single nucleotide variant.
Coding change: c.1908+5G>T on transcript NM_000061.3 (MANE Select); 5 bases into the intron after coding-DNA position 1908, G replaced by T.
Molecular consequence: intron variant.
Genome position (GRCh38, 1-based): chrX:101,353,189, C>A on the plus strand (G>T on the coding strand, the complement: BTK is on the minus strand). VCF-style: chrX-101353189-C-A. GRCh37 (hg19) VCF-style: chrX-100608177-C-A.
Other names: NC_000023.10:g.100608177C>A; c.2010+5G>T (NM_001287344.2); c.1380+5G>T (NM_001287345.2).
Identifiers: ClinVar variation 3366560 (VCV003366560.3).

ClinVar aggregate classification (germline): Uncertain significance. Review status: criteria provided, multiple submitters, no conflicts (2 of 4 stars). 2 submissions from 2 submitters: Uncertain significance (2). Last evaluated 2025-10-29.

Conditions:
X-linked agammaglobulinemia with growth hormone deficiency (IGHD3). Also called: AGAMMAGLOBULINEMIA AND ISOLATED GROWTH HORMONE DEFICIENCY, X-LINKED; FLEISHER SYNDROME; Isolated growth hormone deficiency type 3; Growth hormone deficiency with hypogammaglobulinemia; HYPOGAMMAGLOBULINEMIA AND ISOLATED GROWTH HORMONE DEFICIENCY, X-LINKED; IGHD III. Identifiers: Orphanet 231692, Orphanet 631, MedGen C0472813, MONDO:0010615, OMIM 307200.

gnomAD v4.1: 9 of 1,206,703 alleles (0.00075%); highest among the groups gnomAD compares: Non-Finnish European, 0.001%; no homozygotes.

Submissions (3):

Labcorp Genetics (formerly Invitae), Labcorp
Classification: Uncertain significance for X-linked agammaglobulinemia with growth hormone deficiency. Last evaluated: 2025-10-29. Review status: criteria provided, single submitter. Criteria: Invitae Variant Classification Sherloc (09022015). Collection method: clinical testing. Allele origin: germline.
Comment: This sequence change falls in intron 18 of the BTK gene. It does not directly change the encoded amino acid sequence of the BTK protein. It affects a nucleotide within the consensus splice site. This variant is present in population databases (rs782609610, gnomAD 0.004%), including at least one homozygous and/or hemizygous individual. This variant has not been reported in the literature in individuals affected with BTK-related conditions. ClinVar contains an entry for this variant (Variation ID: 3366560). Variants that disrupt the consensus splice site are a relatively common cause of aberrant splicing (PMID: 17576681, 9536098). Algorithms developed to predict the effect of sequence changes on RNA splicing suggest that this variant may disrupt the consensus splice site. In summary, the available evidence is currently insufficient to determine the role of this variant in disease. Therefore, it has been classified as a Variant of Uncertain Significance.

Women's Health and Genetics/Laboratory Corporation of America, LabCorp
Classification: Uncertain significance. Last evaluated: 2024-08-31. Review status: criteria provided, single submitter. Criteria: LabCorp Variant Classification Summary - May 2015. Collection method: clinical testing. Allele origin: germline.

Dr. Peter K. Rogan Lab, Western University
No classification provided (evidence only). Condition: Familial cancer of breast. Review status: no classification provided. Collection method: in vitro. Allele origin: not applicable. Functional consequence: skipped exon. Not counted in ClinVar's aggregate classification.

Literature cited by the submitters: PubMed 17576681 (cited by Labcorp Genetics (formerly Invitae), Labcorp); PubMed 9536098 (cited by Labcorp Genetics (formerly Invitae), Labcorp).